The following is an entry in ClinVar:

NM_003743.5(NCOA1):c.2175A>G (p.Val725=)

Gene: NCOA1 (nuclear receptor coactivator 1; plus strand). Cytogenetic location: 2p23.3.
Variant type: single nucleotide variant.
Coding change: c.2175A>G on transcript NM_003743.5 (MANE Select); coding-DNA position 2175, A replaced by G.
Protein change: p.Val725=; no amino-acid change (valine 725 retained).
Molecular consequence: synonymous variant.
Genome position (GRCh38, 1-based): chr2:24,707,645, A>G. VCF-style: chr2-24707645-A-G. GRCh37 (hg19) VCF-style: chr2-24930514-A-G.
Other names: c.2175A>G, p.Val725= (NM_001362950.1, NM_001362952.1, NM_001362954.1 and 3 more transcripts).
Identifiers: ClinVar variation 3054274 (VCV003054274.2), dbSNP rs2465825826, ClinGen allele CA425351814.
Genomic context (GRCh38, chr2:24,707,645, plus strand): 5'-GTCTGTCGAGCCTGATAAAAAGGACAGTGCATCTACTTCTGTGTCAGTGACTGGACAGGT[A>G]CAAGGAAACTCCAGTATAAAACTAGAACTGGATGCTTCAAAGAAAAAAGAATCAAAAGAC-3'
Protein context (NP_003734.3, residues 715-735): ASTSVSVTGQ[Val725=]QGNSSIKLEL

ClinVar aggregate classification (germline): Likely benign (0 of 4 stars; one submission).

Conditions:
NCOA1-related disorder. Also called: NCOA1-related condition.

Allele frequency attached by ClinVar (database versions not stated): gnomAD exomes below 0.00001.
gnomAD v4.1: 2 of 1,614,258 alleles (0.00012%); highest among the groups gnomAD compares: Middle Eastern, 0.016%; no homozygotes.

Submission:

PreventionGenetics, part of Exact Sciences
Classification: Likely benign for NCOA1-related condition. Last evaluated: 2020-04-06. Review status: no assertion criteria provided. Collection method: clinical testing. Allele origin: germline.
Comment: This variant is classified as likely benign based on ACMG/AMP sequence variant interpretation guidelines (Richards et al. 2015 PMID: 25741868, with internal and published modifications).